The following is an entry in ClinVar:

ClinVar aggregate classification (germline): Uncertain significance (1 of 4 stars; one submission).

Conditions:
Arrhythmogenic right ventricular dysplasia 11. Also called: ARRHYTHMOGENIC RIGHT VENTRICULAR DYSPLASIA, FAMILIAL, 11; Arrhythmogenic Right Ventricular Dysplasia/Cardiomyopathy11; Arrhythmogenic right ventricular dysplasia 11 with mild palmoplantar keratoderma and woolly hair. Identifiers: MedGen C1864850, MONDO:0012506, OMIM 610476.

Submission:

Labcorp Genetics (formerly Invitae), Labcorp
Classification: Uncertain significance for Arrhythmogenic right ventricular dysplasia 11. Last evaluated: 2024-07-27. Review status: criteria provided, single submitter. Criteria: Invitae Variant Classification Sherloc (09022015). Collection method: clinical testing. Allele origin: germline.
Comment: This sequence change replaces methionine, which is neutral and non-polar, with isoleucine, which is neutral and non-polar, at codon 658 of the DSC2 protein (p.Met658Ile). This variant is not present in population databases (gnomAD no frequency). This variant has not been reported in the literature in individuals affected with DSC2-related conditions. Advanced modeling of protein sequence and biophysical properties (such as structural, functional, and spatial information, amino acid conservation, physicochemical variation, residue mobility, and thermodynamic stability) performed at Invitae indicates that this missense variant is not expected to disrupt DSC2 protein function with a negative predictive value of 80%. In summary, the available evidence is currently insufficient to determine the role of this variant in disease. Therefore, it has been classified as a Variant of Uncertain Significance.

NM_024422.6(DSC2):c.1974G>A (p.Met658Ile)

Gene: DSC2 (desmocollin 2; minus strand). Cytogenetic location: 18q12.1.
Variant type: single nucleotide variant.
Coding change: c.1974G>A on transcript NM_024422.6 (MANE Select); coding-DNA position 1974, G replaced by A.
Protein change: p.Met658Ile; replaces methionine 658 with isoleucine.
Molecular consequence: missense variant.
Genome position (GRCh38, 1-based): chr18:31,071,756, C>T on the plus strand (G>A on the coding strand, the complement: DSC2 is on the minus strand). VCF-style: chr18-31071756-C-T. GRCh37 (hg19) VCF-style: chr18-28651722-C-T.
Other names: c.1545G>A, p.Met515Ile (NM_001406506.1, NM_001406507.1); c.1974G>A, p.Met658Ile (NM_004949.5); short protein forms M658I, M515I.
Identifiers: ClinVar variation 3719476 (VCV003719476.2).
Genomic context (GRCh38, chr18:31,071,756, plus strand): 5'-TGTGCAGTCATTTTCGGTAATGCAGTCACACAGTGTAACATCCAATGAAGTGACACTAGA[C>T]ATGCCAAGTCTATCTCTCACTGTTATAGGTACTACATATGAGCCAAATGGAGGATCATTC-3'
Protein context (NP_077740.1, residues 648-668): VPITVRDRLG[Met658Ile]SSVTSLDVTL